The following is an entry in ClinVar:

ClinVar aggregate classification (germline): Benign (0 of 4 stars; one submission).

Conditions:
ODAD2-related disorder. Also called: ODAD2-related condition.

Submission:

PreventionGenetics, part of Exact Sciences
Classification: Benign for ODAD2-related condition. Last evaluated: 2019-07-30. Review status: no assertion criteria provided. Collection method: clinical testing. Allele origin: germline.
Comment: This variant is classified as benign based on ACMG/AMP sequence variant interpretation guidelines (Richards et al. 2015 PMID: 25741868, with internal and published modifications).

NM_018076.5(ODAD2):c.3021+7232TTAT[8]

Gene: ODAD2 (outer dynein arm docking complex subunit 2; minus strand). Cytogenetic location: 10p12.1.
Variant type: Microsatellite.
Coding change: c.3021+7232TTAT[8] on transcript NM_018076.5 (MANE Select); eight copies in a row of the 4-base unit TTAT starting at c.3021+7232; the reference has seven copies in a row; one copy, 4 bases duplicated.
Molecular consequence: intron variant.
Genome position (GRCh38, 1-based): chr10:27,853,366-27,853,369, ATAA duplicated on the plus strand (TTAT on the coding strand, the reverse complement: ODAD2 is on the minus strand); duplicating any 4 consecutive bases within chr10:27,853,366-27,853,394 gives the same sequence; the position shown is the placement nearest the transcript's 3' end. VCF-style (leftmost placement, unchanged base first): chr10-27853365-T-TATAA. GRCh37 (hg19) VCF-style: chr10-28142294-T-TATAA.
Other names: c.3021+7232TTAT[8] (NM_001290020.2); c.2097+7232TTAT[8] (NM_001312689.2); c.1597-30TTAT[8] (NM_001290021.2).
Identifiers: ClinVar variation 3059071 (VCV003059071.2), dbSNP rs143299831, ClinGen allele CA5453018.